The following is an entry in ClinVar:

NM_172364.5(CACNA2D4):c.1720-3C>A

Gene: CACNA2D4 (calcium voltage-gated channel auxiliary subunit alpha2delta 4; minus strand). Cytogenetic location: 12p13.33.
Variant type: single nucleotide variant.
Coding change: c.1720-3C>A on transcript NM_172364.5 (MANE Select); 3 bases into the intron before coding-DNA position 1720, C replaced by A.
Molecular consequence: intron variant.
Genome position (GRCh38, 1-based): chr12:1,875,340, G>T on the plus strand (C>A on the coding strand, the complement: CACNA2D4 is on the minus strand). VCF-style: chr12-1875340-G-T. GRCh37 (hg19) VCF-style: chr12-1984506-G-T.
Identifiers: ClinVar variation 957882 (VCV000957882.9), dbSNP rs758846394, ClinGen allele CA686112731.

ClinVar aggregate classification (germline): Uncertain significance (1 of 4 stars; one submission).

Allele frequency attached by ClinVar (database versions not stated): TOPMed 0.00001.
gnomAD v4.1: 1 of 1,597,392 alleles (0.000063%); highest among the groups gnomAD compares: African/African-American, 0.0013%; no homozygotes.

Submission:

Labcorp Genetics (formerly Invitae), Labcorp
Classification: Uncertain significance. Last evaluated: 2022-12-31. Review status: criteria provided, single submitter. Criteria: Invitae Variant Classification Sherloc (09022015). Collection method: clinical testing. Allele origin: germline.
Comment: In summary, the available evidence is currently insufficient to determine the role of this variant in disease. Therefore, it has been classified as a Variant of Uncertain Significance. Variants that disrupt the consensus splice site are a relatively common cause of aberrant splicing (PMID: 17576681, 9536098). Algorithms developed to predict the effect of sequence changes on RNA splicing suggest that this variant may disrupt the consensus splice site. ClinVar contains an entry for this variant (Variation ID: 957882). This variant has not been reported in the literature in individuals affected with CACNA2D4-related conditions. This variant is not present in population databases (gnomAD no frequency). This sequence change falls in intron 16 of the CACNA2D4 gene. It does not directly change the encoded amino acid sequence of the CACNA2D4 protein. It affects a nucleotide within the consensus splice site.

Literature cited by the submitters: PubMed 17576681; PubMed 9536098.